The following is an entry in ClinVar:

NM_144668.6(CFAP251):c.996A>G (p.Thr332=)

Gene: CFAP251 (cilia and flagella associated protein 251; plus strand). Cytogenetic location: 12q24.31.
Variant type: single nucleotide variant.
Coding change: c.996A>G on transcript NM_144668.6 (MANE Select); coding-DNA position 996, A replaced by G.
Protein change: p.Thr332=; no amino-acid change (threonine 332 retained).
Molecular consequence: synonymous variant.
Genome position (GRCh38, 1-based): chr12:121,934,354, A>G. VCF-style: chr12-121934354-A-G. GRCh37 (hg19) VCF-style: chr12-122372260-A-G.
Other names: c.996A>G, p.Thr332= (NM_001178003.2).
Identifiers: ClinVar variation 3043292 (VCV003043292.2), dbSNP rs74462921, ClinGen allele CA6840471.

ClinVar aggregate classification (germline): Likely benign (0 of 4 stars; one submission).

Conditions:
CFAP251-related disorder. Also called: CFAP251-related condition.

Allele frequency attached by ClinVar (database versions not stated): gnomAD 0.00127; TOPMed 0.00174; ExAC 0.00273; 1000 Genomes Project 30x 0.00609; 1000 Genomes Project 0.00679.
gnomAD v4.1: 1,845 of 1,611,832 alleles (0.11%); highest among the groups gnomAD compares: East Asian, 3.7%; 32 homozygotes.

Submission:

PreventionGenetics, part of Exact Sciences
Classification: Likely benign for CFAP251-related condition. Last evaluated: 2024-05-28. Review status: no assertion criteria provided. Collection method: clinical testing. Allele origin: germline.
Comment: This variant is classified as likely benign based on ACMG/AMP sequence variant interpretation guidelines (Richards et al. 2015 PMID: 25741868, with internal and published modifications).